The following is an entry in ClinVar:

ClinVar aggregate classification (germline): Uncertain significance (1 of 4 stars; one submission).

Conditions:
Epileptic encephalopathy. Identifiers: MedGen C0543888, HP:0200134.

Submission:

Labcorp Genetics (formerly Invitae), Labcorp
Classification: Uncertain significance for Epileptic encephalopathy. Last evaluated: 2025-09-11. Review status: criteria provided, single submitter. Criteria: Invitae Variant Classification Sherloc (09022015). Collection method: clinical testing. Allele origin: germline.
Comment: This sequence change creates a premature translational stop signal (p.Met694Thrfs*16) in the GABBR2 gene. It is expected to result in an absent or disrupted protein product. However, the current clinical and genetic evidence is not sufficient to establish whether loss-of-function variants in GABBR2 cause disease. This variant is not present in population databases (gnomAD no frequency). This variant has not been reported in the literature in individuals affected with GABBR2-related conditions. In summary, the available evidence is currently insufficient to determine the role of this variant in disease. Therefore, it has been classified as a Variant of Uncertain Significance.

NM_005458.8(GABBR2):c.2081_2090del (p.Met694fs)

Gene: GABBR2 (gamma-aminobutyric acid type B receptor subunit 2; minus strand). Cytogenetic location: 9q22.33.
Variant type: Deletion.
Coding change: c.2081_2090del on transcript NM_005458.8 (MANE Select); coding-DNA positions 2081 to 2090, 10 bases deleted (TGAGTGTCTA; older notation c.2081_2090delTGAGTGTCTA).
Protein change: p.Met694fs; shifts the reading frame from methionine 694.
Molecular consequence: frameshift variant.
Genome position (GRCh38, 1-based): chr9:98,306,260-98,306,269, TAGACACTCA deleted on the plus strand (TGAGTGTCTA on the coding strand, the reverse complement: GABBR2 is on the minus strand); deleting any 10 consecutive bases within chr9:98,306,260-98,306,270 gives the same sequence; the c. name uses the placement nearest the transcript's 3' end. VCF-style (leftmost placement, unchanged base first): chr9-98306259-GTAGACACTCA-G. GRCh37 (hg19) VCF-style: chr9-101068541-GTAGACACTCA-G.
Other names: short protein forms M694fs.
Identifiers: ClinVar variation 4727016 (VCV004727016.1).